The following is an entry in ClinVar:

NM_001040108.2(MLH3):c.767A>G (p.Lys256Arg)

Gene: MLH3 (mutL homolog 3; minus strand). Cytogenetic location: 14q24.3.
Variant type: single nucleotide variant.
Coding change: c.767A>G on transcript NM_001040108.2 (MANE Select); coding-DNA position 767, A replaced by G.
Protein change: p.Lys256Arg; replaces lysine 256 with arginine.
Molecular consequence: missense variant.
Genome position (GRCh38, 1-based): chr14:75,048,889, T>C on the plus strand (A>G on the coding strand, the complement: MLH3 is on the minus strand). VCF-style: chr14-75048889-T-C. GRCh37 (hg19) VCF-style: chr14-75515592-T-C.
Other names: c.767A>G, p.Lys256Arg (NM_014381.3); short protein forms K256R.
Identifiers: ClinVar variation 3873509 (VCV003873509.1).

ClinVar aggregate classification (germline): Uncertain significance (1 of 4 stars; one submission).

Submission:

Ambry Genetics
Classification: Uncertain significance. Last evaluated: 2025-02-02. Review status: criteria provided, single submitter. Criteria: Ambry Variant Classification Scheme 2023. Collection method: clinical testing. Allele origin: germline.
Comment: The p.K256R variant (also known as c.767A>G), located in coding exon 1 of the MLH3 gene, results from an A to G substitution at nucleotide position 767. The lysine at codon 256 is replaced by arginine, an amino acid with highly similar properties. This amino acid position is conserved. In addition, this alteration is predicted to be tolerated by in silico analysis. Based on the available evidence, the clinical significance of this variant remains unclear.